The following is an entry in ClinVar:

ClinVar aggregate classification (germline): Pathogenic. Review status: reviewed by expert panel (3 of 4 stars). 2 submissions from 2 submitters: Pathogenic (1). 1 of the submissions does not count toward it. Last evaluated 2017-12-15.

Conditions:
Breast-ovarian cancer, familial, susceptibility to, 2 (BROVCA2). Also called: BRCA2 Hereditary Breast and Ovarian Cancer. Identifiers: Orphanet 145, MedGen C2675520, MONDO:0012933, OMIM 612555. Disease mechanism: loss of function.
Hereditary breast ovarian cancer syndrome. Also called: BRCA1- and BRCA2-Associated Hereditary Breast and Ovarian Cancer; Hereditary breast and/or ovarian cancer syndrome; Hereditary breast and ovarian cancer; Hereditary breast and ovarian cancer syndrome; Hereditary breast and ovarian cancer syndrome (HBOC); Breast and ovarian cancer. Identifiers: Orphanet 145, MedGen C0677776, MeSH D061325, MONDO:0003582. Disease mechanism: loss of function.

Submissions (2):

Evidence-based Network for the Interpretation of Germline Mutant Alleles (ENIGMA)
Classification: Pathogenic for Breast-ovarian cancer, familial, susceptibility to, 2. Last evaluated: 2017-12-15. Review status: reviewed by expert panel. Criteria: ENIGMA BRCA1/2 Classification Criteria (2017-06-29). Collection method: curation. Allele origin: germline. Study: ENIGMA.
Comment: Variant allele predicted to encode a truncated non-functional protein.

Research Molecular Genetics Laboratory, Women's College Hospital, University of Toronto
Classification: Pathogenic for Hereditary breast ovarian cancer syndrome. Last evaluated: 2014-01-31. Review status: no assertion criteria provided. Collection method: research. Allele origin: germline. Affected: yes. Study: The Canadian Open Genetics Repository (COGR). Not counted in ClinVar's aggregate classification.

NM_000059.4(BRCA2):c.1332_1333del (p.Ser445fs)

Gene: BRCA2 (BRCA2 DNA repair associated; plus strand). Cytogenetic location: 13q13.1.
Variant type: Deletion.
Coding change: c.1332_1333del on transcript NM_000059.4 (MANE Select); coding-DNA positions 1332 to 1333, 2 bases deleted (TT; older notation c.1332_1333delTT).
Protein change: p.Ser445fs; shifts the reading frame from serine 445.
Molecular consequence: frameshift variant.
Genome position (GRCh38, 1-based): chr13:32,332,810-32,332,811, TT deleted. VCF-style (leftmost placement, unchanged base first): chr13-32332809-ATT-A. GRCh37 (hg19) VCF-style: chr13-32906946-ATT-A.
Other names: c.1332_1333delTT (NM_000059.3); short protein forms S445fs.
Identifiers: ClinVar variation 431290 (VCV000431290.1), dbSNP rs1135401892, ClinGen allele CA645372945.
Genomic context (GRCh38, chr13:32,332,809, plus strand): 5'-CAGAAAAAGACCTATTAGACACAGAGAACAAAAGAAAGAAAGATTTTCTTACTTCAGAGA[ATT>A]CTTTGCCACGTATTTCTAGCCTACCAAAATCAGAGAAGCCATTAAATGAGGAAACAGTGG-3'